The following is an entry in ClinVar:

ClinVar aggregate classification (germline): Uncertain significance (1 of 4 stars; one submission).

Conditions:
Autoimmune lymphoproliferative syndrome type 2A (ALPS2A). Also called: AUTOIMMUNE LYMPHOPROLIFERATIVE SYNDROME, TYPE IIA; CASP10-Related Autoimmune Lymphoproliferative Syndrome; Autoimmune lymphoproliferative syndrome type 2. Identifiers: Orphanet 3261, MedGen C1858968, MONDO:0011383, OMIM 603909.

Allele frequency attached by ClinVar (database versions not stated): gnomAD 0.00003; gnomAD exomes 0.00004; ExAC 0.00008; 1000 Genomes Project 30x 0.00016; 1000 Genomes Project 0.00020.
gnomAD v4.1: 57 of 1,610,372 alleles (0.0035%); highest among the groups gnomAD compares: South Asian, 0.063%; no homozygotes.

Submission:

Labcorp Genetics (formerly Invitae), Labcorp
Classification: Uncertain significance for Autoimmune lymphoproliferative syndrome type 2A. Last evaluated: 2025-12-17. Review status: criteria provided, single submitter. Criteria: Invitae Variant Classification Sherloc (09022015). Collection method: clinical testing. Allele origin: germline.
Comment: This sequence change replaces valine, which is neutral and non-polar, with alanine, which is neutral and non-polar, at codon 330 of the CASP10 protein (p.Val330Ala). This variant is present in population databases (rs550053463, gnomAD 0.07%), and has an allele count higher than expected for a pathogenic variant. This variant has not been reported in the literature in individuals affected with CASP10-related conditions. ClinVar contains an entry for this variant (Variation ID: 2922577). Invitae Evidence Modeling of protein sequence and biophysical properties (such as structural, functional, and spatial information, amino acid conservation, physicochemical variation, residue mobility, and thermodynamic stability) indicates that this missense variant is not expected to disrupt CASP10 protein function with a negative predictive value of 80%. In summary, the available evidence is currently insufficient to determine the role of this variant in disease. Therefore, it has been classified as a Variant of Uncertain Significance.

NM_032977.4(CASP10):c.989T>C (p.Val330Ala)

Gene: CASP10 (caspase 10; plus strand). Cytogenetic location: 2q33.1.
Variant type: single nucleotide variant.
Coding change: c.989T>C on transcript NM_032977.4 (MANE Select); coding-DNA position 989, T replaced by C.
Protein change: p.Val330Ala; replaces valine 330 with alanine.
Molecular consequence: missense variant. On other transcripts: 3 prime UTR variant (1).
Genome position (GRCh38, 1-based): chr2:201,209,136, T>C. VCF-style: chr2-201209136-T-C. GRCh37 (hg19) VCF-style: chr2-202073859-T-C.
Other names: c.788T>C, p.Val263Ala (NM_001206524.2); c.860T>C, p.Val287Ala (NM_001206542.2, NM_001230.5); c.989T>C, p.Val330Ala (NM_032974.5); c.*75T>C (NM_032976.4); short protein forms V287A, V263A, V330A.
Identifiers: ClinVar variation 2922577 (VCV002922577.3), dbSNP rs550053463, ClinGen allele CA2053157.